The following is an entry in ClinVar:

NM_024675.4(PALB2):c.2095T>A (p.Ser699Thr)

Gene: PALB2 (partner and localizer of BRCA2; minus strand). Cytogenetic location: 16p12.2.
Variant type: single nucleotide variant.
Coding change: c.2095T>A on transcript NM_024675.4 (MANE Select); coding-DNA position 2095, T replaced by A.
Protein change: p.Ser699Thr; replaces serine 699 with threonine.
Molecular consequence: missense variant.
Genome position (GRCh38, 1-based): chr16:23,630,059, A>T on the plus strand (T>A on the coding strand, the complement: PALB2 is on the minus strand). VCF-style: chr16-23630059-A-T. GRCh37 (hg19) VCF-style: chr16-23641380-A-T.
Other names: short protein forms S699T.
Identifiers: ClinVar variation 487036 (VCV000487036.16), dbSNP rs1555460493, ClinGen allele CA395125806.

ClinVar aggregate classification (germline): Uncertain significance. Review status: criteria provided, multiple submitters, no conflicts (2 of 4 stars). 2 submissions from 2 submitters: Uncertain significance (2). Last evaluated 2019-04-09.

Conditions:
Hereditary cancer-predisposing syndrome. Also called: Tumor predisposition; Hereditary Cancer Syndrome; Hereditary neoplastic syndrome; Neoplastic Syndromes, Hereditary. Identifiers: Orphanet 140162, MedGen C0027672, MeSH D009386, MONDO:0015356.
Familial cancer of breast. Also called: hereditary breast carcinoma; BREAST CANCER, FAMILIAL; Hereditary breast cancer. Identifiers: Orphanet 227535, MedGen C0346153, MONDO:0016419, OMIM 114480. Disease mechanism: loss of function.

gnomAD v4.1: 1 of 1,614,178 alleles (0.000062%); highest among the groups gnomAD compares: Non-Finnish European, 0.000085%; no homozygotes.

Submissions (2):

Labcorp Genetics (formerly Invitae), Labcorp
Classification: Uncertain significance for Familial cancer of breast. Last evaluated: 2019-04-09. Review status: criteria provided, single submitter. Criteria: Invitae Variant Classification Sherloc (09022015). Collection method: clinical testing. Allele origin: germline.
Comment: This sequence change replaces serine with threonine at codon 699 of the PALB2 protein (p.Ser699Thr). The serine residue is highly conserved and there is a small physicochemical difference between serine and threonine. This variant is not present in population databases (ExAC no frequency). This variant has not been reported in the literature in individuals with PALB2-related conditions. ClinVar contains an entry for this variant (Variation ID: 487036). Algorithms developed to predict the effect of missense changes on protein structure and function are either unavailable or do not agree on the potential impact of this missense change (SIFT: "Tolerated"; PolyPhen-2: "Probably Damaging"; Align-GVGD: "Class C0"). In summary, the available evidence is currently insufficient to determine the role of this variant in disease. Therefore, it has been classified as a Variant of Uncertain Significance.

Ambry Genetics
Classification: Uncertain significance for Hereditary cancer-predisposing syndrome. Last evaluated: 2017-08-25. Review status: criteria provided, single submitter. Criteria: Ambry Variant Classification Scheme 2023. Collection method: clinical testing. Allele origin: germline.
Comment: The p.S699T variant (also known as c.2095T>A), located in coding exon 5 of the PALB2 gene, results from a T to A substitution at nucleotide position 2095. The serine at codon 699 is replaced by threonine, an amino acid with similar properties. This amino acid position is highly conserved in available vertebrate species. In addition, this alteration is predicted to be tolerated by in silico analysis. Since supporting evidence is limited at this time, the clinical significance of this alteration remains unclear.